The following is an entry in ClinVar:

ClinVar aggregate classification (germline): Likely benign. Review status: criteria provided, multiple submitters, no conflicts (2 of 4 stars). 3 submissions from 3 submitters: Likely benign (3). Last evaluated 2025-06-05.

Conditions:
RASopathy. Also called: rasopathies; Noonan spectrum disorder. Identifiers: Orphanet 536391, MedGen C5555857, MONDO:0021060.

Allele frequency attached by ClinVar (database versions not stated): gnomAD 0.00001; ESP Exome Variant Server 0.00008.
gnomAD v4.1: 3 of 1,602,780 alleles (0.00019%); highest among the groups gnomAD compares: Non-Finnish European, 0.00026%; no homozygotes.

Submissions (3):

Labcorp Genetics (formerly Invitae), Labcorp
Classification: Likely benign for RASopathy. Last evaluated: 2025-06-05. Review status: criteria provided, single submitter. Criteria: Invitae Variant Classification Sherloc (09022015). Collection method: clinical testing. Allele origin: germline.

Women's Health and Genetics/Laboratory Corporation of America, LabCorp
Classification: Likely benign. Last evaluated: 2025-01-09. Review status: criteria provided, single submitter. Criteria: LabCorp Variant Classification Summary - May 2015. Collection method: clinical testing. Allele origin: germline.
Comment: Variant summary: NRAS c.290+15A>G alters a non-conserved nucleotide located at a position not widely known to affect splicing. Consensus agreement among computation tools predict no significant impact on normal splicing. However, these predictions have yet to be confirmed by functional studies. The variant was absent in 251218 control chromosomes. The available data on variant occurrences in the general population are insufficient to allow any conclusion about variant significance. To our knowledge, no occurrence of c.290+15A>G in individuals affected with Noonan Syndrome and no experimental evidence demonstrating its impact on protein function have been reported. ClinVar contains an entry for this variant (Variation ID: 1301342). Based on the evidence outlined above, the variant was classified as likely benign.

Blueprint Genetics
Classification: Likely benign. Last evaluated: 2021-02-10. Review status: criteria provided, single submitter. Criteria: ACMG Guidelines, 2015. Collection method: clinical testing. Allele origin: germline.

Literature cited by the submitters: PubMed 26980726 (cited by Women's Health and Genetics/Laboratory Corporation of America, LabCorp); PubMed 27121720 (cited by Women's Health and Genetics/Laboratory Corporation of America, LabCorp); PubMed 24806883 (cited by Women's Health and Genetics/Laboratory Corporation of America, LabCorp); PubMed 17671181 (cited by Women's Health and Genetics/Laboratory Corporation of America, LabCorp); PubMed 23325582 (cited by Women's Health and Genetics/Laboratory Corporation of America, LabCorp); PubMed 22220252 (cited by Women's Health and Genetics/Laboratory Corporation of America, LabCorp); PubMed 23708912 (cited by Women's Health and Genetics/Laboratory Corporation of America, LabCorp); PubMed 29692343 (cited by Women's Health and Genetics/Laboratory Corporation of America, LabCorp); PubMed 27276561 (cited by Women's Health and Genetics/Laboratory Corporation of America, LabCorp); PubMed 27069254 (cited by Women's Health and Genetics/Laboratory Corporation of America, LabCorp).

NM_002524.5(NRAS):c.290+15A>G

Gene: NRAS (NRAS proto-oncogene, GTPase; minus strand). Cytogenetic location: 1p13.2.
Variant type: single nucleotide variant.
Coding change: c.290+15A>G on transcript NM_002524.5 (MANE Select); 15 bases into the intron after coding-DNA position 290, A replaced by G.
Molecular consequence: intron variant.
Genome position (GRCh38, 1-based): chr1:114,713,785, T>C on the plus strand (A>G on the coding strand, the complement: NRAS is on the minus strand). VCF-style: chr1-114713785-T-C. GRCh37 (hg19) VCF-style: chr1-115256406-T-C.
Identifiers: ClinVar variation 1301342 (VCV001301342.7), dbSNP rs373417606, ClinGen allele CA29044728.